The following is an entry in ClinVar:

ClinVar aggregate classification (germline): Pathogenic/Likely pathogenic. Review status: criteria provided, multiple submitters, no conflicts (2 of 4 stars). 3 submissions from 3 submitters: Pathogenic (2); Likely pathogenic (1). Last evaluated 2024-11-28.

Conditions:
Hereditary cancer-predisposing syndrome. Also called: Neoplastic Syndromes, Hereditary; Hereditary Cancer Syndrome; Tumor predisposition; Hereditary neoplastic syndrome. Identifiers: Orphanet 140162, MedGen C0027672, MeSH D009386, MONDO:0015356.
Familial cancer of breast. Also called: Hereditary breast cancer; hereditary breast carcinoma; BREAST CANCER, FAMILIAL. Identifiers: Orphanet 227535, MedGen C0346153, MONDO:0016419, OMIM 114480. Disease mechanism: loss of function.

Submissions (3):

Laboratorio de Genetica e Diagnostico Molecular, Hospital Israelita Albert Einstein
Classification: Pathogenic for Familial cancer of breast. Last evaluated: 2024-11-28. Review status: criteria provided, single submitter. Criteria: ACMG Guidelines, 2015. Collection method: clinical testing. Allele origin: germline. Affected: yes.
Comment: ACMG classification criteria: PVS1 very strong, PS4 supporting, PM2 supporting

Color Diagnostics, LLC DBA Color Health
Classification: Pathogenic for Hereditary cancer-predisposing syndrome. Last evaluated: 2022-12-05. Review status: criteria provided, single submitter. Criteria: ACMG Guidelines, 2015. Collection method: clinical testing. Allele origin: germline.
Comment: This variant deletes 1 nucleotide in exon 8 of the BARD1 gene, creating a frameshift and premature translation stop signal. This variant is expected to result in an absent or non-functional protein product. This variant has been reported in over five Brazilian individuals affected with breast cancer (PMID: 35264596, 35980532). This variant has not been identified in the general population by the Genome Aggregation Database (gnomAD). Loss of BARD1 function is a known mechanism of disease. Based on the available evidence, this variant is classified as Pathogenic.

Mendelics
Classification: Likely pathogenic for Familial cancer of breast. Last evaluated: 2018-07-02. Review status: criteria provided, single submitter. Criteria: Mendelics Assertion Criteria 2017. Collection method: clinical testing. Allele origin: unknown.

Literature cited by the submitters: PubMed 35264596 (cited by Color Diagnostics, LLC DBA Color Health); PubMed 35980532 (cited by Color Diagnostics, LLC DBA Color Health).

NM_000465.4(BARD1):c.1758del (p.Ser586fs)

Gene: BARD1 (BRCA1 associated RING domain 1; minus strand). Cytogenetic location: 2q35.
Variant type: Deletion.
Coding change: c.1758del on transcript NM_000465.4 (MANE Select); coding-DNA position 1758, one base deleted (T; older notation c.1758delT).
Protein change: p.Ser586fs; shifts the reading frame from serine 586.
Molecular consequence: frameshift variant. On other transcripts: non-coding transcript variant (3), intron variant (1).
Genome position (GRCh38, 1-based): chr2:214,745,774, A deleted on the plus strand (T on the coding strand, the reverse complement: BARD1 is on the minus strand). VCF-style (leftmost placement, unchanged base first): chr2-214745773-CA-C. GRCh37 (hg19) VCF-style: chr2-215610497-CA-C.
Other names: c.1701del, p.Ser567fs (NM_001282543.2); c.405del, p.Ser135fs (NM_001282545.2); c.348del, p.Ser116fs (NM_001282548.2); c.365-15266del (NM_001282549.2); short protein forms S116fs, S135fs, S567fs, S586fs.
Identifiers: ClinVar variation 584631 (VCV000584631.6), dbSNP rs1559387024, ClinGen allele CA891842521.